The following is an entry in ClinVar:

NM_152327.5(AK7):c.1098+3A>G

Gene: AK7 (adenylate kinase 7; plus strand). Cytogenetic location: 14q32.2.
Variant type: single nucleotide variant.
Coding change: c.1098+3A>G on transcript NM_152327.5 (MANE Select); 3 bases into the intron after coding-DNA position 1098, A replaced by G.
Molecular consequence: intron variant.
Genome position (GRCh38, 1-based): chr14:96,451,573, A>G. VCF-style: chr14-96451573-A-G. GRCh37 (hg19) VCF-style: chr14-96917910-A-G.
Other names: c.1098+3A>G (NM_001350888.2, NM_001350890.2, NM_001350892.2); c.1020+3A>G (NM_001350891.2).
Identifiers: ClinVar variation 2909655 (VCV002909655.3), dbSNP rs1486740183, ClinGen allele CA710273080.
Genomic context (GRCh38, chr14:96,451,573, plus strand): 5'-ATTTGTGGAAAATATCAACACTATCCTCAAGGAGTACAAGCAAAGCAGAGGATTGATGGT[A>G]ACTATCACTGTTTCCCACTGAAACTTCTGATTCAAGCAAAATGAATCAAACTTCTAGTGT-3'

ClinVar aggregate classification (germline): Uncertain significance (1 of 4 stars; one submission).

Allele frequency attached by ClinVar (database versions not stated): gnomAD 0.00001; TOPMed 0.00001.

Submission:

Labcorp Genetics (formerly Invitae), Labcorp
Classification: Uncertain significance. Last evaluated: 2023-10-03. Review status: criteria provided, single submitter. Criteria: Invitae Variant Classification Sherloc (09022015). Collection method: clinical testing. Allele origin: germline.
Comment: This sequence change falls in intron 10 of the AK7 gene. It does not directly change the encoded amino acid sequence of the AK7 protein. It affects a nucleotide within the consensus splice site. This variant is not present in population databases (gnomAD no frequency). This variant has not been reported in the literature in individuals affected with AK7-related conditions. Variants that disrupt the consensus splice site are a relatively common cause of aberrant splicing (PMID: 17576681, 9536098). Algorithms developed to predict the effect of sequence changes on RNA splicing suggest that this variant may disrupt the consensus splice site. In summary, the available evidence is currently insufficient to determine the role of this variant in disease. Therefore, it has been classified as a Variant of Uncertain Significance.

Literature cited by the submitters: PubMed 17576681; PubMed 9536098.